The following is an entry in ClinVar:

ClinVar aggregate classification (germline): Likely benign (1 of 4 stars; one submission).

Allele frequency attached by ClinVar (database versions not stated): gnomAD 0.00001; gnomAD exomes 0.00002 and 0.00009; ExAC 0.00009.
gnomAD v4.1: 27 of 1,569,760 alleles (0.0017%); highest among the groups gnomAD compares: South Asian, 0.026%; no homozygotes.

Submission:

GeneDx
Classification: Likely benign. Last evaluated: 2021-11-21. Review status: criteria provided, single submitter. Criteria: GeneDx Variant Classification Process June 2021. Collection method: clinical testing. Allele origin: germline. Affected: yes.
Comment: See Variant Classification Assertion Criteria.

NM_003070.5(SMARCA2):c.1347+45G>T

Gene: SMARCA2 (SWI/SNF related BAF chromatin remodeling complex subunit ATPase 2; plus strand). Cytogenetic location: 9p24.3.
Variant type: single nucleotide variant.
Coding change: c.1347+45G>T on transcript NM_003070.5 (MANE Select); 45 bases into the intron after coding-DNA position 1347, G replaced by T.
Molecular consequence: intron variant.
Genome position (GRCh38, 1-based): chr9:2,056,890, G>T. VCF-style: chr9-2056890-G-T. GRCh37 (hg19) VCF-style: chr9-2056890-G-T.
Other names: c.1347+45G>T (NM_139045.4, NM_001289397.2, NM_001289396.2).
Identifiers: ClinVar variation 1686689 (VCV001686689.2), dbSNP rs771946204, ClinGen allele CA4963133.
Genomic context (GRCh38, chr9:2,056,890, plus strand): 5'-CCGTCAGAAACACCAGGTTCTTAGACCCTGGGCTTTGCTCACCCTCACTTTGGCAGAGCT[G>T]TCCAATGAATTCATCAAATGGGGTCAGAATGACTGAAAAATGGACCCTTGTGGGTGGTGG-3'